The following is an entry in ClinVar:

ClinVar aggregate classification (germline): Pathogenic (1 of 4 stars; one submission).

Conditions:
Ehlers-Danlos syndrome, classic type, 1 (EDSCL1). Also called: EHLERS-DANLOS SYNDROME, GRAVIS TYPE; EHLERS-DANLOS SYNDROME, SEVERE CLASSIC TYPE; Ehlers-Danlos syndrome, type 1; Ehlers-Danlos Syndrome, Classic Type, COL5A1-Related; EDS I. Identifiers: MedGen C0268335, MONDO:0019567, OMIM 130000.

Submission:

Labcorp Genetics (formerly Invitae), Labcorp
Classification: Pathogenic for Ehlers-Danlos syndrome, classic type, 1. Last evaluated: 2020-12-21. Review status: criteria provided, single submitter. Criteria: Invitae Variant Classification Sherloc (09022015). Collection method: clinical testing. Allele origin: germline.
Comment: For these reasons, this variant has been classified as Pathogenic. Algorithms developed to predict the effect of sequence changes on RNA splicing suggest that this variant may create or strengthen a splice site, but this prediction has not been confirmed by published transcriptional studies. This variant has not been reported in the literature in individuals with COL5A1-related conditions. This variant is not present in population databases (ExAC no frequency). This sequence change creates a premature translational stop signal (p.Gln597*) in the COL5A1 gene. It is expected to result in an absent or disrupted protein product. Loss-of-function variants in COL5A1 are known to be pathogenic (PMID: 23587214).

Literature cited by the submitters: PubMed 23587214.

NM_000093.5(COL5A1):c.1789C>T (p.Gln597Ter)

Gene: COL5A1 (collagen type V alpha 1 chain; plus strand). Cytogenetic location: 9q34.3.
Variant type: single nucleotide variant.
Coding change: c.1789C>T on transcript NM_000093.5 (MANE Select); coding-DNA position 1789, C replaced by T.
Protein change: p.Gln597Ter; replaces glutamine 597 with a stop codon.
Molecular consequence: nonsense.
Genome position (GRCh38, 1-based): chr9:134,754,288, C>T. VCF-style: chr9-134754288-C-T. GRCh37 (hg19) VCF-style: chr9-137646134-C-T.
Other names: c.1789C>T, p.Gln597Ter (NM_001278074.1); short protein forms Q597*.
Identifiers: ClinVar variation 1450509 (VCV001450509.6), dbSNP rs2132690786, ClinGen allele CA375444980.